The following is an entry in ClinVar:

ClinVar aggregate classification (germline): Uncertain significance (1 of 4 stars; one submission).

Submission:

Labcorp Genetics (formerly Invitae), Labcorp
Classification: Uncertain significance. Last evaluated: 2022-04-09. Review status: criteria provided, single submitter. Criteria: Invitae Variant Classification Sherloc (09022015). Collection method: clinical testing. Allele origin: germline.
Comment: This sequence change replaces valine, which is neutral and non-polar, with isoleucine, which is neutral and non-polar, at codon 531 of the TPP1 protein (p.Val531Ile). This variant is not present in population databases (gnomAD no frequency). This variant has not been reported in the literature in individuals affected with TPP1-related conditions. Advanced modeling of protein sequence and biophysical properties (such as structural, functional, and spatial information, amino acid conservation, physicochemical variation, residue mobility, and thermodynamic stability) performed at Invitae indicates that this missense variant is not expected to disrupt TPP1 protein function. In summary, the available evidence is currently insufficient to determine the role of this variant in disease. Therefore, it has been classified as a Variant of Uncertain Significance.

NM_000391.4(TPP1):c.1591G>A (p.Val531Ile)

Gene: TPP1 (tripeptidyl peptidase 1; minus strand). Cytogenetic location: 11p15.4.
Variant type: single nucleotide variant.
Coding change: c.1591G>A on transcript NM_000391.4 (MANE Select); coding-DNA position 1591, G replaced by A.
Protein change: p.Val531Ile; replaces valine 531 with isoleucine.
Molecular consequence: missense variant.
Genome position (GRCh38, 1-based): chr11:6,614,647, C>T on the plus strand (G>A on the coding strand, the complement: TPP1 is on the minus strand). VCF-style: chr11-6614647-C-T. GRCh37 (hg19) VCF-style: chr11-6635878-C-T.
Other names: short protein forms V531I.
Identifiers: ClinVar variation 2156472 (VCV002156472.1), dbSNP rs2493795224, ClinGen allele CA379472142.